The following is an entry in ClinVar:

ClinVar aggregate classification (germline): Pathogenic (1 of 4 stars; one submission).

Conditions:
COL11A1-related disorder. Also called: COL11A1-related disorders; COL11A1-related condition.

Submission:

Rady Children's Institute for Genomic Medicine, Rady Children's Hospital San Diego
Classification: Pathogenic for COL11A1-related disorders. Review status: criteria provided, single submitter. Criteria: ACMG Guidelines, 2015. Collection method: clinical testing. Allele origin: germline. Affected: yes.
Comment: This variant affects the canonical splice donor site of intron 36 and is therefore predicted to interfere with splicing and result in loss of normal protein function through either protein truncation or nonsense-mediated mRNA decay (NMD). This variant has not been previously reported or functionally characterized in the literature to our knowledge. Loss-of-function splicing variation in COL11A1 is an established mechanism of disease (PMID: 9529347). The c.2808+2del variant is absent from the gnomAD population database and thus is presumed to be rare. Analysis of the parental samples was negative for the variant, indicating this variant likely occurred as a de novo event. Based on the available evidence, the c.2808+2del variant is classified as Pathogenic.

NM_001854.4(COL11A1):c.2808+2del

Gene: COL11A1 (collagen type XI alpha 1 chain; minus strand). Cytogenetic location: 1p21.1.
Variant type: Deletion.
Coding change: c.2808+2del on transcript NM_001854.4 (MANE Select); the canonical splice donor site of the intron after coding-DNA position 2808, one base deleted (T; older notation c.2808+2delT).
Molecular consequence: splice donor variant.
Genome position (GRCh38, 1-based): chr1:102,974,828, A deleted on the plus strand (T on the coding strand, the reverse complement: COL11A1 is on the minus strand). VCF-style (leftmost placement, unchanged base first): chr1-102974827-TA-T. GRCh37 (hg19) VCF-style: chr1-103440383-TA-T.
Other names: c.2691+2del (NM_001190709.2); c.2844+2del (NM_080629.3); c.2460+2del (NM_080630.4).
Identifiers: ClinVar variation 2584473 (VCV002584473.1), dbSNP rs2525063877, ClinGen allele CA2582341924.